The following is an entry in ClinVar:

ClinVar aggregate classification (germline): Uncertain significance (1 of 4 stars; one submission).

Conditions:
Hereditary spastic paraplegia 4. Also called: Spastic Paraplegia 4; Spastic paraplegia 4, autosomal dominant; Familial spastic paraplegia autosomal dominant 2. Identifiers: Orphanet 100985, MedGen C1866855, MONDO:0008438, OMIM 182601.

Submission:

Labcorp Genetics (formerly Invitae), Labcorp
Classification: Uncertain significance for Hereditary spastic paraplegia 4. Last evaluated: 2022-08-16. Review status: criteria provided, single submitter. Criteria: Invitae Variant Classification Sherloc (09022015). Collection method: clinical testing. Allele origin: germline.
Comment: In summary, the available evidence is currently insufficient to determine the role of this variant in disease. Therefore, it has been classified as a Variant of Uncertain Significance. Advanced modeling of protein sequence and biophysical properties (such as structural, functional, and spatial information, amino acid conservation, physicochemical variation, residue mobility, and thermodynamic stability) performed at Invitae indicates that this missense variant is not expected to disrupt SPAST protein function. This variant has not been reported in the literature in individuals affected with SPAST-related conditions. This variant is not present in population databases (gnomAD no frequency). This sequence change replaces lysine, which is basic and polar, with arginine, which is basic and polar, at codon 9 of the SPAST protein (p.Lys9Arg).

NM_014946.4(SPAST):c.26A>G (p.Lys9Arg)

Gene: SPAST (spastin; plus strand). Cytogenetic location: 2p22.3.
Variant type: single nucleotide variant.
Coding change: c.26A>G on transcript NM_014946.4 (MANE Select); coding-DNA position 26, A replaced by G.
Protein change: p.Lys9Arg; replaces lysine 9 with arginine.
Molecular consequence: missense variant.
Genome position (GRCh38, 1-based): chr2:32,063,857, A>G. VCF-style: chr2-32063857-A-G. GRCh37 (hg19) VCF-style: chr2-32288926-A-G.
Other names: c.26A>G, p.Lys9Arg (NM_001363823.2, NM_001363875.2, NM_001377959.1 and 1 more transcripts); short protein forms K9R.
Identifiers: ClinVar variation 2420948 (VCV002420948.6), dbSNP rs2465679456, ClinGen allele CA346601216.